The following is an entry in ClinVar:

NM_003105.6(SORL1):c.3712A>T (p.Lys1238Ter)

Gene: SORL1 (sortilin related receptor 1; plus strand). Cytogenetic location: 11q24.1.
Variant type: single nucleotide variant.
Coding change: c.3712A>T on transcript NM_003105.6 (MANE Select); coding-DNA position 3712, A replaced by T.
Protein change: p.Lys1238Ter; replaces lysine 1238 with a stop codon.
Molecular consequence: nonsense.
Genome position (GRCh38, 1-based): chr11:121,586,227, A>T. VCF-style: chr11-121586227-A-T. GRCh37 (hg19) VCF-style: chr11-121456936-A-T.
Other names: short protein forms K1238*.
Identifiers: ClinVar variation 1451658 (VCV001451658.6), dbSNP rs2134893308, ClinGen allele CA383027075.
Genomic context (GRCh38, chr11:121,586,227, plus strand): 5'-AGTGCCTGCCTGTTTCCTCCTCGTCATTCTTCTGTGTTGTTGAATTCTATTTCAGAGAAG[A>T]AGTGCAATGGATTCCGCTGCCCAAACGGCACTTGCATCCCATCCAGCAAACATTGTGATG-3'

ClinVar aggregate classification (germline): Pathogenic (1 of 4 stars; one submission).

Submission:

Labcorp Genetics (formerly Invitae), Labcorp
Classification: Pathogenic. Last evaluated: 2021-08-19. Review status: criteria provided, single submitter. Criteria: Invitae Variant Classification Sherloc (09022015). Collection method: clinical testing. Allele origin: germline.
Comment: For these reasons, this variant has been classified as Pathogenic. This variant has not been reported in the literature in individuals affected with SORL1-related conditions. This variant is not present in population databases (ExAC no frequency). This sequence change creates a premature translational stop signal (p.Lys1238*) in the SORL1 gene. It is expected to result in an absent or disrupted protein product. Loss-of-function variants in SORL1 are known to be pathogenic (PMID: 26303663, 27026413).

Literature cited by the submitters: PubMed 26303663; PubMed 27026413.